The following is an entry in ClinVar:

ClinVar aggregate classification (germline): Uncertain significance (1 of 4 stars; one submission).

gnomAD v4.1: 3 of 1,549,742 alleles (0.00019%); highest among the groups gnomAD compares: Non-Finnish European, 0.00026%; no homozygotes.

Submission:

Labcorp Genetics (formerly Invitae), Labcorp
Classification: Uncertain significance. Last evaluated: 2022-01-05. Review status: criteria provided, single submitter. Criteria: Invitae Variant Classification Sherloc (09022015). Collection method: clinical testing. Allele origin: germline.
Comment: This sequence change replaces proline, which is neutral and non-polar, with leucine, which is neutral and non-polar, at codon 210 of the ZNF469 protein (p.Pro210Leu). This variant is not present in population databases (gnomAD no frequency). This variant has not been reported in the literature in individuals affected with ZNF469-related conditions. Algorithms developed to predict the effect of missense changes on protein structure and function (SIFT, PolyPhen-2, Align-GVGD) all suggest that this variant is likely to be tolerated. In summary, the available evidence is currently insufficient to determine the role of this variant in disease. Therefore, it has been classified as a Variant of Uncertain Significance.

NM_001367624.2(ZNF469):c.629C>T (p.Pro210Leu)

Gene: ZNF469 (zinc finger protein 469; plus strand). Cytogenetic location: 16q24.2.
Variant type: single nucleotide variant.
Coding change: c.629C>T on transcript NM_001367624.2 (MANE Select); coding-DNA position 629, C replaced by T.
Protein change: p.Pro210Leu; replaces proline 210 with leucine.
Molecular consequence: missense variant.
Genome position (GRCh38, 1-based): chr16:88,428,099, C>T. VCF-style: chr16-88428099-C-T. GRCh37 (hg19) VCF-style: chr16-88494507-C-T.
Other names: short protein forms P210L.
Identifiers: ClinVar variation 1938151 (VCV001938151.2), dbSNP rs1302052402, ClinGen allele CA397061263.
Genomic context (GRCh38, chr16:88,428,099, plus strand): 5'-GCTTTACCTCCACCAACTATACCTCACCAAGCGCCACCCCCAGGCCCCCAGCCCCGGGGC[C>T]CCCCCAGAGCAGGGGCACCAGCCCCCTCCAGCCCGGTTCCTATCCCGAATACCAGGCCAG-3'
Protein context (NP_001354553.1, residues 200-220): SATPRPPAPG[Pro210Leu]PQSRGTSPLQ